The following is an entry in ClinVar:

NM_002206.3(ITGA7):c.3323G>A (p.Arg1108Gln)

Gene: ITGA7 (integrin subunit alpha 7; minus strand). Cytogenetic location: 12q13.2.
Variant type: single nucleotide variant.
Coding change: c.3323G>A on transcript NM_002206.3 (MANE Select); coding-DNA position 3323, G replaced by A.
Protein change: p.Arg1108Gln; replaces arginine 1108 with glutamine.
Molecular consequence: missense variant.
Genome position (GRCh38, 1-based): chr12:55,685,149, C>T on the plus strand (G>A on the coding strand, the complement: ITGA7 is on the minus strand). VCF-style: chr12-55685149-C-T. GRCh37 (hg19) VCF-style: chr12-56078933-C-T.
Other names: c.3335G>A, p.Arg1112Gln (NM_001144996.2); c.3044G>A, p.Arg1015Gln (NM_001144997.2); c.2996G>A, p.Arg999Gln (NM_001367993.1); c.1979G>A, p.Arg660Gln (NM_001367994.1); c.3305G>A, p.Arg1102Gln (NM_001374465.1); c.3455G>A, p.Arg1152Gln (NM_001410977.1); c.3317G>A, p.Arg1106Gln (NM_001414029.1); c.3248G>A, p.Arg1083Gln (NM_001414030.1); and 5 more; short protein forms R1015Q, R1108Q, R660Q, R1112Q, R999Q, R1102Q, R1152Q, R1047Q.
Identifiers: ClinVar variation 435533 (VCV000435533.15), dbSNP rs201709662, ClinGen allele CA6615244.

ClinVar aggregate classification (germline): Uncertain significance. Review status: criteria provided, multiple submitters, no conflicts (2 of 4 stars). 2 submissions from 2 submitters: Uncertain significance (2). Last evaluated 2022-05-12.

Conditions:
Congenital muscular dystrophy due to integrin alpha-7 deficiency. Also called: MYOPATHY, CONGENITAL, DUE TO INTEGRIN ALPHA-7 DEFICIENCY; Muscular dystrophy, congenital, due to ITGA7 deficiency; Congenital muscular dystrophy with integrin alpha-7 deficiency. Identifiers: Orphanet 34520, MedGen C2750786, MONDO:0013177, OMIM 613204.

Allele frequency attached by ClinVar (database versions not stated): gnomAD 0.00001; TOPMed 0.00005; gnomAD exomes 0.00007; ExAC 0.00010.
gnomAD v4.1: 77 of 1,613,738 alleles (0.0048%); highest among the groups gnomAD compares: Middle Eastern, 0.016%; no homozygotes.

Submissions (2):

Labcorp Genetics (formerly Invitae), Labcorp
Classification: Uncertain significance for Congenital muscular dystrophy due to integrin alpha-7 deficiency. Last evaluated: 2022-05-12. Review status: criteria provided, single submitter. Criteria: Invitae Variant Classification Sherloc (09022015). Collection method: clinical testing. Allele origin: germline.
Comment: In summary, the available evidence is currently insufficient to determine the role of this variant in disease. Therefore, it has been classified as a Variant of Uncertain Significance. Algorithms developed to predict the effect of missense changes on protein structure and function output the following: SIFT: "Tolerated"; PolyPhen-2: "Benign"; Align-GVGD: "Class C0". The glutamine amino acid residue is found in multiple mammalian species, which suggests that this missense change does not adversely affect protein function. ClinVar contains an entry for this variant (Variation ID: 435533). This variant has not been reported in the literature in individuals affected with ITGA7-related conditions. This variant is present in population databases (rs201709662, gnomAD 0.02%). This sequence change replaces arginine, which is basic and polar, with glutamine, which is neutral and polar, at codon 1108 of the ITGA7 protein (p.Arg1108Gln).

Genetic Services Laboratory, University of Chicago
Classification: Uncertain significance. Last evaluated: 2016-11-22. Review status: criteria provided, single submitter. Criteria: ACMG Guidelines, 2015. Collection method: clinical testing. Allele origin: germline. Affected: no.